The following is an entry in ClinVar:

ClinVar aggregate classification (germline): Conflicting classifications of pathogenicity. Review status: criteria provided, conflicting classifications (1 of 4 stars). 6 submissions from 6 submitters: Uncertain significance (3); Benign (1). 2 of the submissions do not count toward it. Last evaluated 2025-06-09.

Conditions:
SACS-related disorder. Also called: SACS-related condition.
Charlevoix-Saguenay spastic ataxia (SACS). Also called: AUTOSOMAL RECESSIVE SPASTIC ATAXIA OF CHARLEVOIX-SAGUENAY; SPASTIC ATAXIA 6, AUTOSOMAL RECESSIVE; Spastic ataxia of Charlevoix-Saguenay. Identifiers: Orphanet 98, MedGen C1849140, MONDO:0010041, OMIM 270550.
Inborn genetic diseases. Identifiers: MedGen C0950123, MeSH D030342.
Spastic paraplegia. Identifiers: MedGen C0037772, HP:0001258.

Allele frequency attached by ClinVar (database versions not stated): ExAC 0.00002; gnomAD exomes 0.00002; gnomAD 0.00007; TOPMed 0.00012.
gnomAD v4.1: 21 of 1,604,652 alleles (0.0013%); highest among the groups gnomAD compares: African/African-American, 0.023%; no homozygotes.

Submissions (6):

Labcorp Genetics (formerly Invitae), Labcorp
Classification: Benign for Spastic paraplegia. Last evaluated: 2025-06-09. Review status: criteria provided, single submitter. Criteria: Invitae Variant Classification Sherloc (09022015). Collection method: clinical testing. Allele origin: germline.

Ambry Genetics
Classification: Uncertain significance for Inborn genetic diseases. Last evaluated: 2025-04-04. Review status: criteria provided, single submitter. Criteria: Ambry Variant Classification Scheme 2023. Collection method: clinical testing. Allele origin: germline.

Genome-Nilou Lab
Classification: Uncertain significance for Charlevoix-Saguenay spastic ataxia. Last evaluated: 2021-09-05. Review status: criteria provided, single submitter. Criteria: ACMG Guidelines, 2015. Collection method: clinical testing. Allele origin: germline. Affected: no.

GeneDx
Classification: Uncertain significance. Last evaluated: 2020-01-03. Review status: criteria provided, single submitter. Criteria: GeneDx Variant Classification Process June 2021. Collection method: clinical testing. Allele origin: germline. Affected: yes.
Comment: Has not been previously published as pathogenic or benign to our knowledge; In silico analysis, which includes protein predictors and evolutionary conservation, supports that this variant does not alter protein structure/function

PreventionGenetics, part of Exact Sciences
Classification: Uncertain significance for SACS-related condition. Last evaluated: 2024-02-27. Review status: no assertion criteria provided. Collection method: clinical testing. Allele origin: germline. Not counted in ClinVar's aggregate classification.
Comment: The SACS c.175T>A variant is predicted to result in the amino acid substitution p.Ser59Thr. To our knowledge, this variant has not been reported in the literature. This variant is reported in 0.029% of alleles in individuals of African descent in gnomAD. At this time, the clinical significance of this variant is uncertain due to the absence of conclusive functional and genetic evidence.

Natera, Inc.
Classification: Uncertain significance for Charlevoix-Saguenay type spastic ataxia. Last evaluated: 2020-08-27. Review status: no assertion criteria provided. Collection method: clinical testing. Allele origin: germline. Not counted in ClinVar's aggregate classification.

NM_014363.6(SACS):c.175T>A (p.Ser59Thr)

Gene: SACS (sacsin molecular chaperone; minus strand). Cytogenetic location: 13q12.12.
Variant type: single nucleotide variant.
Coding change: c.175T>A on transcript NM_014363.6 (MANE Select); coding-DNA position 175, T replaced by A.
Protein change: p.Ser59Thr; replaces serine 59 with threonine.
Molecular consequence: missense variant. On other transcripts: intron variant (1).
Genome position (GRCh38, 1-based): chr13:23,371,162, A>T on the plus strand (T>A on the coding strand, the complement: SACS is on the minus strand). VCF-style: chr13-23371162-A-T. GRCh37 (hg19) VCF-style: chr13-23945301-A-T.
Other names: c.-182-2675T>A (NM_001278055.2); short protein forms S59T.
Identifiers: ClinVar variation 841135 (VCV000841135.19), dbSNP rs539836931, ClinGen allele CA6912166.